The following is an entry in ClinVar:

NM_001040108.2(MLH3):c.2676G>A (p.Met892Ile)

Gene: MLH3 (mutL homolog 3; minus strand). Cytogenetic location: 14q24.3.
Variant type: single nucleotide variant.
Coding change: c.2676G>A on transcript NM_001040108.2 (MANE Select); coding-DNA position 2676, G replaced by A.
Protein change: p.Met892Ile; replaces methionine 892 with isoleucine.
Molecular consequence: missense variant.
Genome position (GRCh38, 1-based): chr14:75,046,980, C>T on the plus strand (G>A on the coding strand, the complement: MLH3 is on the minus strand). VCF-style: chr14-75046980-C-T. GRCh37 (hg19) VCF-style: chr14-75513683-C-T.
Other names: c.2676G>A, p.Met892Ile (NM_014381.3); short protein forms M892I.
Identifiers: ClinVar variation 2623977 (VCV002623977.3), dbSNP rs755592568, ClinGen allele CA7275658.
Genomic context (GRCh38, chr14:75,046,980, plus strand): 5'-GCACAACTTGCTGTCTTTCCTACTGGAATCTGAATTTGGAAGTTCATTAAAACGACTCAT[C>T]ATCCCCATTGTTTGAGTTTCTCTTTCGGAACCCTTCAGTCTGGATAATTTAGAGGCTAGT-3'
Protein context (NP_001035197.1, residues 882-902): GSERETQTMG[Met892Ile]MSRFNELPNS

ClinVar aggregate classification (germline): Uncertain significance (1 of 4 stars; one submission).

Allele frequency attached by ClinVar (database versions not stated): ExAC 0.00001.
gnomAD v4.1: 15 of 1,614,206 alleles (0.00093%); highest among the groups gnomAD compares: South Asian, 0.014%; 1 homozygote.

Submission:

Ambry Genetics
Classification: Uncertain significance. Last evaluated: 2025-08-12. Review status: criteria provided, single submitter. Criteria: Ambry Variant Classification Scheme 2023. Collection method: clinical testing. Allele origin: germline.
Comment: The p.M892I variant (also known as c.2676G>A), located in coding exon 1 of the MLH3 gene, results from a G to A substitution at nucleotide position 2676. The methionine at codon 892 is replaced by isoleucine, an amino acid with highly similar properties. This amino acid position is conserved. In addition, this alteration is predicted to be tolerated by in silico analysis. Since supporting evidence is limited at this time, the clinical significance of this alteration remains unclear.